The following is an entry in ClinVar:

NM_001378789.1(CERS3):c.137C>A (p.Ala46Asp)

Gene: CERS3 (ceramide synthase 3; minus strand). Cytogenetic location: 15q26.3.
Variant type: single nucleotide variant.
Coding change: c.137C>A on transcript NM_001378789.1 (MANE Select); coding-DNA position 137, C replaced by A.
Protein change: p.Ala46Asp; replaces alanine 46 with aspartic acid.
Molecular consequence: missense variant.
Genome position (GRCh38, 1-based): chr15:100,501,713, G>T on the plus strand (C>A on the coding strand, the complement: CERS3 is on the minus strand). VCF-style: chr15-100501713-G-T. GRCh37 (hg19) VCF-style: chr15-101041918-G-T.
Other names: c.170C>A, p.Ala57Asp (NM_001290341.2); c.137C>A, p.Ala46Asp (NM_001290342.2, NM_001290343.2, NM_178842.5); short protein forms A46D, A57D.
Identifiers: ClinVar variation 4538571 (VCV004538571.1).

ClinVar aggregate classification (germline): Uncertain significance (1 of 4 stars; one submission).

Conditions:
Ichthyosis and erythrokeratoderma.

gnomAD v4.1: 2 of 1,613,806 alleles (0.00012%); highest among the groups gnomAD compares: South Asian, 0.0011%; no homozygotes.

Submission:

Genetics Laboratory, Great Ormond Street Hospital NHS Foundation Trust, North Thames Genomic Laboratory Hub
Classification: Uncertain significance for Ichthyosis and erythrokeratoderma. Last evaluated: 2025-10-24. Review status: criteria provided, single submitter. Criteria: ACGS Best Practice Guidelines for Variant Classification in Rare Disease 2024 v1.2. Collection method: clinical testing. Allele origin: germline. Affected: yes.
Comment: PM2_moderate, PP3_supporting, PM3_supporting, PP4_supporting